The following is an entry in ClinVar:

ClinVar aggregate classification (germline): Uncertain significance (1 of 4 stars; one submission).

Conditions:
Inborn genetic diseases. Identifiers: MedGen C0950123, MeSH D030342.

Submission:

Ambry Genetics
Classification: Uncertain significance for Inborn genetic diseases. Last evaluated: 2026-03-04. Review status: criteria provided, single submitter. Criteria: Ambry Variant Classification Scheme 2023. Collection method: clinical testing. Allele origin: germline.
Comment: The c.2816C>T (p.T939M) alteration is located in exon 24 (coding exon 24) of the POLR3B gene. This alteration results from a C to T substitution at nucleotide position 2816, causing the threonine (T) at amino acid position 939 to be replaced by a methionine (M). This variant was not reported in population-based cohorts in the Genome Aggregation Database (gnomAD). This amino acid position is highly conserved in available vertebrate species. This alteration is predicted to be deleterious by in silico analysis. Based on insufficient or conflicting evidence, the clinical significance of this alteration remains unclear.

NM_018082.6(POLR3B):c.2816C>T (p.Thr939Met)

Gene: POLR3B (RNA polymerase III subunit B; plus strand). Cytogenetic location: 12q23.3.
Variant type: single nucleotide variant.
Coding change: c.2816C>T on transcript NM_018082.6 (MANE Select); coding-DNA position 2816, C replaced by T.
Protein change: p.Thr939Met; replaces threonine 939 with methionine.
Molecular consequence: missense variant.
Genome position (GRCh38, 1-based): chr12:106,496,157, C>T. VCF-style: chr12-106496157-C-T. GRCh37 (hg19) VCF-style: chr12-106889935-C-T.
Other names: c.2642C>T, p.Thr881Met (NM_001160708.2); short protein forms T881M, T939M.
Identifiers: ClinVar variation 4840449 (VCV004840449.1).